The following is an entry in ClinVar:

NM_004706.4(ARHGEF1):c.25G>A (p.Ala9Thr)

Gene: ARHGEF1 (Rho guanine nucleotide exchange factor 1; plus strand). Cytogenetic location: 19q13.2.
Variant type: single nucleotide variant.
Coding change: c.25G>A on transcript NM_004706.4 (MANE Select); coding-DNA position 25, G replaced by A.
Protein change: p.Ala9Thr; replaces alanine 9 with threonine.
Molecular consequence: missense variant. On other transcripts: non-coding transcript variant (2).
Genome position (GRCh38, 1-based): chr19:41,888,192, G>A. VCF-style: chr19-41888192-G-A. GRCh37 (hg19) VCF-style: chr19-42392263-G-A.
Other names: c.25G>A, p.Ala9Thr (NM_001396000.1, NM_001396002.1, NM_001396003.1 and 3 more transcripts); c.70G>A, p.Ala24Thr (NM_199002.2); short protein forms A9T, A24T.
Identifiers: ClinVar variation 1999832 (VCV001999832.4), dbSNP rs2513754978, ClinGen allele CA406042462.

ClinVar aggregate classification (germline): Uncertain significance (1 of 4 stars; one submission).

Submission:

Labcorp Genetics (formerly Invitae), Labcorp
Classification: Uncertain significance. Last evaluated: 2024-10-22. Review status: criteria provided, single submitter. Criteria: Invitae Variant Classification Sherloc (09022015). Collection method: clinical testing. Allele origin: germline.
Comment: This sequence change replaces alanine, which is neutral and non-polar, with threonine, which is neutral and polar, at codon 24 of the ARHGEF1 protein (p.Ala24Thr). This variant is not present in population databases (gnomAD no frequency). This variant has not been reported in the literature in individuals affected with ARHGEF1-related conditions. ClinVar contains an entry for this variant (Variation ID: 1999832). An algorithm developed to predict the effect of missense changes on protein structure and function (PolyPhen-2) suggests that this variant is likely to be tolerated. In summary, the available evidence is currently insufficient to determine the role of this variant in disease. Therefore, it has been classified as a Variant of Uncertain Significance.